The following is an entry in ClinVar:

ClinVar aggregate classification (germline): Uncertain significance (1 of 4 stars; one submission).

Allele frequency attached by ClinVar (database versions not stated): gnomAD 0.00002; TOPMed 0.00003.
gnomAD v4.1: 5 of 1,588,692 alleles (0.00031%); highest among the groups gnomAD compares: African/African-American, 0.0068%; no homozygotes.

Submission:

Labcorp Genetics (formerly Invitae), Labcorp
Classification: Uncertain significance. Last evaluated: 2024-11-05. Review status: criteria provided, single submitter. Criteria: Invitae Variant Classification Sherloc (09022015). Collection method: clinical testing. Allele origin: germline.
Comment: This sequence change falls in intron 3 of the CD55 gene. It does not directly change the encoded amino acid sequence of the CD55 protein. It affects a nucleotide within the consensus splice site. This variant is present in population databases (rs749948551, gnomAD 0.01%). This variant has not been reported in the literature in individuals affected with CD55-related conditions. ClinVar contains an entry for this variant (Variation ID: 1388286). Variants that disrupt the consensus splice site are a relatively common cause of aberrant splicing (PMID: 17576681, 9536098). Algorithms developed to predict the effect of sequence changes on RNA splicing suggest that this variant is not likely to affect RNA splicing. In summary, the available evidence is currently insufficient to determine the role of this variant in disease. Therefore, it has been classified as a Variant of Uncertain Significance.

Literature cited by the submitters: PubMed 17576681; PubMed 9536098.

NM_000574.5(CD55):c.478+3G>A

Gene: CD55 (CD55 molecule (Cromer blood group); plus strand). Cytogenetic location: 1q32.2.
Variant type: single nucleotide variant.
Coding change: c.478+3G>A on transcript NM_000574.5 (MANE Select); 3 bases into the intron after coding-DNA position 478, G replaced by A.
Molecular consequence: intron variant.
Genome position (GRCh38, 1-based): chr1:207,324,753, G>A. VCF-style: chr1-207324753-G-A. GRCh37 (hg19) VCF-style: chr1-207498098-G-A.
Other names: c.478+3G>A (NM_001114752.3, NM_001300903.2, NM_001300904.2 and 1 more transcripts).
Identifiers: ClinVar variation 1388286 (VCV001388286.4), dbSNP rs749948551, ClinGen allele CA1367987.